The following is an entry in ClinVar:

ClinVar aggregate classification (germline): Uncertain significance (1 of 4 stars; one submission).

Submission:

Labcorp Genetics (formerly Invitae), Labcorp
Classification: Uncertain significance. Last evaluated: 2022-02-24. Review status: criteria provided, single submitter. Criteria: Invitae Variant Classification Sherloc (09022015). Collection method: clinical testing. Allele origin: germline.
Comment: This variant has not been reported in the literature in individuals affected with CNGA1-related conditions. In summary, the available evidence is currently insufficient to determine the role of this variant in disease. Therefore, it has been classified as a Variant of Uncertain Significance. Experimental studies and prediction algorithms are not available or were not evaluated, and the functional significance of this variant is currently unknown. This variant is present in population databases (no rsID available, gnomAD 0.01%). This variant, c.1165_1167dup, results in the insertion of 1 amino acid(s) of the CNGA1 protein (p.Phe389dup), but otherwise preserves the integrity of the reading frame.

NM_001379270.1(CNGA1):c.1153_1155dup (p.Phe385dup)

Genes: CNGA1 (cyclic nucleotide gated channel subunit alpha 1; minus strand), LOC101927157 (uncharacterized LOC101927157; plus strand). Cytogenetic location: 4p12.
Variant type: Duplication.
Coding change: c.1153_1155dup on transcript NM_001379270.1 (MANE Select); coding-DNA positions 1153 to 1155, 3 bases duplicated (TTT; older notation c.1153_1155dupTTT).
Protein change: p.Phe385dup; duplicates phenylalanine 385.
Molecular consequence: inframe insertion.
Genome position (GRCh38, 1-based): chr4:47,937,327-47,937,329, AAA duplicated on the plus strand (TTT on the coding strand, the reverse complement: CNGA1 is on the minus strand); duplicating any 3 consecutive bases within chr4:47,937,327-47,937,331 gives the same sequence; the c. name uses the placement nearest the transcript's 3' end. VCF-style (leftmost placement, unchanged base first): chr4-47937326-C-CAAA. GRCh37 (hg19) VCF-style: chr4-47939343-C-CAAA.
Other names: c.1153_1155dup, p.Phe385dup (NM_000087.5, NM_001142564.2).
Identifiers: ClinVar variation 1462299 (VCV001462299.8), dbSNP rs1484248137, ClinGen allele CA551650469.